The following is an entry in ClinVar:

NM_001197104.2(KMT2A):c.4504C>T (p.Arg1502Ter)

Gene: KMT2A (lysine methyltransferase 2A; plus strand). Cytogenetic location: 11q23.3.
Variant type: single nucleotide variant.
Coding change: c.4504C>T on transcript NM_001197104.2 (MANE Select); coding-DNA position 4504, C replaced by T.
Protein change: p.Arg1502Ter; replaces arginine 1502 with a stop codon.
Molecular consequence: nonsense.
Genome position (GRCh38, 1-based): chr11:118,489,816, C>T. VCF-style: chr11-118489816-C-T. GRCh37 (hg19) VCF-style: chr11-118360531-C-T.
Other names: c.4504C>T, p.Arg1502Ter (NM_005933.4); short protein forms R1502*.
Identifiers: ClinVar variation 392919 (VCV000392919.48), dbSNP rs150800017, ClinGen allele CA16606249.

ClinVar aggregate classification (germline): Pathogenic. Review status: criteria provided, multiple submitters, no conflicts (2 of 4 stars). 6 submissions from 6 submitters: Pathogenic (5). 1 of the submissions does not count toward it. Last evaluated 2025-08-26.

Conditions:
KMT2A-related disorder. Also called: KMT2A-related condition.
Inborn genetic diseases. Identifiers: MedGen C0950123, MeSH D030342.
Wiedemann-Steiner syndrome (WDSTS). Also called: Growth deficiency and mental retardation with facial dysmorphism. Identifiers: Orphanet 319182, MedGen C1854630, MONDO:0011518, OMIM 605130.

Submissions (6):

Variantyx, Inc.
Classification: Pathogenic for Wiedemann-Steiner syndrome. Last evaluated: 2025-08-26. Review status: criteria provided, single submitter. Criteria: Variantyx Assertion Criteria 2022. Collection method: clinical testing. Allele origin: de novo. Inheritance: Autosomal dominant inheritance. Affected: yes.
Comment: This is a nonsense variant in the KMT2A gene (OMIM: 159555). Pathogenic variants in this gene have been associated with autosomal dominant Wiedemann-Steiner syndrome. The alteratin introduces a premature termination codon in exon 12 out of 36 and is expected to result in loss of function, which is a known disease mechanism for KMT2A in this disorder (PMID: 37025457) (PVS1). This variant is absent from control populations (PM2). Based on the current evidence, this variant is classified as pathogenic for autosomal dominant Wiedemann-Steiner syndrome.

GeneDx
Classification: Pathogenic. Last evaluated: 2025-08-18. Review status: criteria provided, single submitter. Criteria: GeneDx Variant Classification Process June 2021. Collection method: clinical testing. Allele origin: germline. Affected: yes.
Comment: Identified in a patient with Wiedemann-Steiner syndrome in published literature (PMID: 33783954); Nonsense variant predicted to result in protein truncation or nonsense mediated decay in a gene for which loss of function is a known mechanism of disease; Not observed at significant frequency in large population cohorts (gnomAD); This variant is associated with the following publications: (PMID: 33057194, 37025457, 35982159, 33783954)

Labcorp Genetics (formerly Invitae), Labcorp
Classification: Pathogenic. Last evaluated: 2025-03-24. Review status: criteria provided, single submitter. Criteria: Invitae Variant Classification Sherloc (09022015). Collection method: clinical testing. Allele origin: germline.
Comment: This sequence change creates a premature translational stop signal (p.Arg1502*) in the KMT2A gene. It is expected to result in an absent or disrupted protein product. Loss-of-function variants in KMT2A are known to be pathogenic (PMID: 22795537, 25810209, 29574747). This variant is not present in population databases (gnomAD no frequency). This premature translational stop signal has been observed in individual(s) with Wiedemann-Steiner syndrome (PMID: 33783954, 37025457). In at least one individual the variant was observed to be de novo. ClinVar contains an entry for this variant (Variation ID: 392919). For these reasons, this variant has been classified as Pathogenic.

CeGaT Center for Human Genetics Tuebingen
Classification: Pathogenic. Last evaluated: 2020-06-01. Review status: criteria provided, single submitter. Criteria: CeGaT Center For Human Genetics Tuebingen Variant Classification Criteria Version 2. Collection method: clinical testing. Allele origin: germline. Affected: yes. Observed: 1 variant allele.

Ambry Genetics
Classification: Pathogenic for Inborn genetic diseases. Last evaluated: 2016-10-31. Review status: criteria provided, single submitter. Criteria: Ambry exome assertion method (8-5-2015). Collection method: clinical testing. Allele origin: germline. Affected: yes. Observed: 1 variant allele.

PreventionGenetics, part of Exact Sciences
Classification: Pathogenic for KMT2A-related condition. Last evaluated: 2024-04-11. Review status: no assertion criteria provided. Collection method: clinical testing. Allele origin: germline. Not counted in ClinVar's aggregate classification.
Comment: The KMT2A c.4504C>T variant is predicted to result in premature protein termination (p.Arg1502*). This variant was reported in individuals with Wiedemann-Steiner syndrome (Table S3, Sheppard et al. 2021. PubMed ID: 33783954; Lin et al. 2023. PubMed: 37025457). This variant has not been reported in a large population database, indicating this variant is rare. Nonsense variants in KMT2A are expected to be pathogenic. This variant is interpreted as pathogenic.

Literature cited by the submitters: PubMed 37025457 (cited by Variantyx, Inc. and Labcorp Genetics (formerly Invitae), Labcorp); PubMed 22795537 (cited by Labcorp Genetics (formerly Invitae), Labcorp); PubMed 25810209 (cited by Labcorp Genetics (formerly Invitae), Labcorp); PubMed 29574747 (cited by Labcorp Genetics (formerly Invitae), Labcorp); PubMed 33783954 (cited by Labcorp Genetics (formerly Invitae), Labcorp).